The following is an entry in ClinVar:

NM_000890.5(KCNJ5):c.476A>G (p.Glu159Gly)

Gene: KCNJ5 (potassium inwardly rectifying channel subfamily J member 5; plus strand). Cytogenetic location: 11q24.3.
Variant type: single nucleotide variant.
Coding change: c.476A>G on transcript NM_000890.5 (MANE Select); coding-DNA position 476, A replaced by G.
Protein change: p.Glu159Gly; replaces glutamic acid 159 with glycine.
Molecular consequence: missense variant.
Genome position (GRCh38, 1-based): chr11:128,911,749, A>G. VCF-style: chr11-128911749-A-G. GRCh37 (hg19) VCF-style: chr11-128781644-A-G.
Other names: c.476A>G, p.Glu159Gly (NM_001354169.2); short protein forms E159G.
Identifiers: ClinVar variation 877246 (VCV000877246.4), dbSNP rs753651100, ClinGen allele CA6357882.
Genomic context (GRCh38, chr11:128,911,749, plus strand): 5'-CTTTCCTGTTCTCCATTGAGACCGAAACAACCATTGGGTATGGCTTCCGAGTCATCACAG[A>G]GAAGTGTCCAGAGGGGATTATACTCCTCTTGGTCCAGGCCATCCTGGGCTCCATCGTCAA-3'
Protein context (NP_000881.3, residues 149-169): TIGYGFRVIT[Glu159Gly]KCPEGIILLL

ClinVar aggregate classification (germline): Uncertain significance (1 of 4 stars; one submission).

Conditions:
Familial hyperaldosteronism type III. Also called: Familial hyperaldosteronism type 3; FH III. Identifiers: Orphanet 251274, MedGen C3838758, MONDO:0013359, OMIM 613677.

Allele frequency attached by ClinVar (database versions not stated): TOPMed below 0.00001; gnomAD exomes 0.00001; ExAC 0.00002.
gnomAD v4.1: 3 of 1,614,198 alleles (0.00019%); highest among the groups gnomAD compares: Admixed American, 0.005%; no homozygotes.

Submission:

Illumina Laboratory Services, Illumina
Classification: Uncertain significance for Familial hyperaldosteronism type III. Last evaluated: 2017-04-27. Review status: criteria provided, single submitter. Criteria: ICSL Variant Classification Criteria 13 December 2019. Collection method: clinical testing. Allele origin: germline.
Comment: This variant was observed as part of a predisposition screen in an ostensibly healthy population. A literature search was performed for the gene, cDNA change, and amino acid change (where applicable). Publications were found based on this search. However, the evidence from the literature, in combination with allele frequency data from public databases where available, was not sufficient to rule this variant in or out of causing disease. Therefore, this variant is classified as a variant of unknown significance.

Literature cited by the submitters: PubMed 23829355; PubMed 22252394.